The following is an entry in ClinVar:

ClinVar aggregate classification (germline): Likely benign. Review status: criteria provided, single submitter (1 of 4 stars). 3 submissions from 3 submitters: Likely benign (1). 2 of the submissions do not count toward it. Last evaluated 2023-03-23.

Conditions:
Breast-ovarian cancer, familial, susceptibility to, 1 (BROVCA1). Also called: BRCA1 Hereditary Breast and Ovarian Cancer; OVARIAN CANCER, SUSCEPTIBILITY TO. Identifiers: Orphanet 145, MedGen C2676676, MONDO:0011450, OMIM 604370. Disease mechanism: loss of function.
Hereditary cancer-predisposing syndrome. Also called: Tumor predisposition; Hereditary Cancer Syndrome; Hereditary neoplastic syndrome; Neoplastic Syndromes, Hereditary. Identifiers: Orphanet 140162, MedGen C0027672, MeSH D009386, MONDO:0015356.
Malignant tumor of breast. Also called: Malignant breast neoplasm; Cancer breast. Identifiers: MedGen C0006142, MONDO:0007254. Disease mechanism: loss of function.

Submissions (3):

University of Washington Department of Laboratory Medicine, University of Washington
Classification: Likely benign for Hereditary cancer-predisposing syndrome. Last evaluated: 2023-03-23. Review status: criteria provided, single submitter. Criteria: Dines et al. (Genet Med. 2020). Collection method: curation. Allele origin: germline.
Comment: Missense variant in a coldspot region where missense variants are very unlikely to be pathogenic (PMID:31911673).

BRCA1 coldspot (exon 11 using historical exon numbering). Reclassification based on statistical prior probability

Department of Medical and Surgical Sciences, University of Bologna
Classification: Likely benign for Breast-ovarian cancer, familial, susceptibility to, 1. Last evaluated: 2023-09-01. Review status: no assertion criteria provided. Collection method: clinical testing. Allele origin: germline. Affected: yes. Not counted in ClinVar's aggregate classification.
Comment: BP1(Strong) according to ACMG/AMP classification guidelines specified for BRCA1 & BRCA2 (Classification Criteria V1.0.0 2023-09-08) (PMID: 38160042)

Department of Pathology and Laboratory Medicine, Sinai Health System
Classification: Uncertain significance for Malignant tumor of breast. Review status: no assertion criteria provided. Collection method: clinical testing. Allele origin: unknown. Affected: yes. Study: The Canadian Open Genetics Repository (COGR). Not counted in ClinVar's aggregate classification.
Comment: The BRCA1 p.Lys301Gln variant was not identified in the literature nor was it identified in the dbSNP, ClinVar, Clinvitae, Genesight-COGR, Cosmic, LOVD 3.0, BIC Database, ARUP Laboratories, Zhejiang Colon Cancer Database, the 1000 Genomes Project, the NHLBI GO Exome Sequencing Project or the Exome Aggregation Consortium (August 8th 2016) control databases. The p.Lys301 residue is conserved in in mammals but not in more distantly related organisms however computational analyses (PolyPhen-2, SIFT, AlignGVGD, BLOSUM, MutationTaster) do not suggest a high likelihood the Gln variant impacts the protein; this information is not predictive enough to rule out pathogenicity. The variant occurs outside of the splicing consensus sequence and in silico or computational prediction software programs (SpliceSiteFinder, MaxEntScan, NNSPLICE, GeneSplicer, HumanSpliceFinder) do not predict a difference in splicing. In summary, based on the above information the clinical significance of this variant cannot be determined with certainty at this time. This variant is classified as a variant of uncertain significance.

NM_007294.4(BRCA1):c.901A>C (p.Lys301Gln)

Gene: BRCA1 (BRCA1 DNA repair associated; minus strand). Cytogenetic location: 17q21.31.
Variant type: single nucleotide variant.
Coding change: c.901A>C on transcript NM_007294.4 (MANE Select); coding-DNA position 901, A replaced by C.
Protein change: p.Lys301Gln; replaces lysine 301 with glutamine.
Molecular consequence: missense variant. On other transcripts: intron variant (137).
Genome position (GRCh38, 1-based): chr17:43,094,630, T>G on the plus strand (A>C on the coding strand, the complement: BRCA1 is on the minus strand). VCF-style: chr17-43094630-T-G. GRCh37 (hg19) VCF-style: chr17-41246647-T-G.
Other names: c.688A>C, p.Lys230Gln (NM_001407571.1, NM_001407853.1, NM_001407894.1 and 9 more transcripts); c.901A>C, p.Lys301Gln (NM_001407581.1, NM_001407582.1, NM_001407583.1 and 30 more transcripts); c.898A>C, p.Lys300Gln (NM_001407587.1, NM_001407590.1, NM_001407591.1 and 22 more transcripts); c.892A>C, p.Lys298Gln (NM_001407646.1, NM_001407647.1); c.778A>C, p.Lys260Gln (NM_001407648.1, NM_001407664.1, NM_001407665.1 and 19 more transcripts); c.775A>C, p.Lys259Gln (NM_001407649.1, NM_001407670.1, NM_001407685.1 and 11 more transcripts); c.820A>C, p.Lys274Gln (NM_001407662.1, NM_001407659.1, NM_001407660.1 and 1 more transcripts); c.823A>C, p.Lys275Gln (NM_001407663.1, NM_001407653.1, NM_001407654.1 and 4 more transcripts); and 40 more; short protein forms K254Q, K301Q, K173Q, K190Q, K233Q, K259Q, K274Q, K5Q.
Identifiers: ClinVar variation 1049569 (VCV001049569.5), dbSNP rs756859863, ClinGen allele CA10600274.